The following is an entry in ClinVar:

ClinVar aggregate classification (germline): Uncertain significance (1 of 4 stars; one submission).

Conditions:
Familial cancer of breast. Also called: hereditary breast carcinoma; BREAST CANCER, FAMILIAL; Hereditary breast cancer. Identifiers: Orphanet 227535, MedGen C0346153, MONDO:0016419, OMIM 114480. Disease mechanism: loss of function.

Submission:

Labcorp Genetics (formerly Invitae), Labcorp
Classification: Uncertain significance for Familial cancer of breast. Last evaluated: 2025-03-30. Review status: criteria provided, single submitter. Criteria: Invitae Variant Classification Sherloc (09022015). Collection method: clinical testing. Allele origin: germline.
Comment: This sequence change replaces threonine, which is neutral and polar, with lysine, which is basic and polar, at codon 398 of the BARD1 protein (p.Thr398Lys). This variant is not present in population databases (gnomAD no frequency). This variant has not been reported in the literature in individuals affected with BARD1-related conditions. An algorithm developed to predict the effect of missense changes on protein structure and function (PolyPhen-2) suggests that this variant is likely to be tolerated. In summary, the available evidence is currently insufficient to determine the role of this variant in disease. Therefore, it has been classified as a Variant of Uncertain Significance.

NM_000465.4(BARD1):c.1193C>A (p.Thr398Lys)

Gene: BARD1 (BRCA1 associated RING domain 1; minus strand). Cytogenetic location: 2q35.
Variant type: single nucleotide variant.
Coding change: c.1193C>A on transcript NM_000465.4 (MANE Select); coding-DNA position 1193, C replaced by A.
Protein change: p.Thr398Lys; replaces threonine 398 with lysine.
Molecular consequence: missense variant. On other transcripts: non-coding transcript variant (2), intron variant (3).
Genome position (GRCh38, 1-based): chr2:214,780,681, G>T on the plus strand (C>A on the coding strand, the complement: BARD1 is on the minus strand). VCF-style: chr2-214780681-G-T. GRCh37 (hg19) VCF-style: chr2-215645405-G-T.
Other names: c.1136C>A, p.Thr379Lys (NM_001282543.2); c.159-28126C>A (NM_001282548.2); c.215+16380C>A (NM_001282545.2); c.364+11616C>A (NM_001282549.2); short protein forms T379K, T398K.
Identifiers: ClinVar variation 4716274 (VCV004716274.1).